The following is an entry in ClinVar:

NM_004006.3(DMD):c.6226G>T (p.Glu2076Ter)

Gene: DMD (dystrophin; minus strand). Cytogenetic location: Xp21.1.
Variant type: single nucleotide variant.
Coding change: c.6226G>T on transcript NM_004006.3 (MANE Select); coding-DNA position 6226, G replaced by T.
Protein change: p.Glu2076Ter; replaces glutamic acid 2076 with a stop codon.
Molecular consequence: nonsense.
Genome position (GRCh38, 1-based): chrX:32,287,593, C>A on the plus strand (G>T on the coding strand, the complement: DMD is on the minus strand). VCF-style: chrX-32287593-C-A. GRCh37 (hg19) VCF-style: chrX-32305710-C-A.
Other names: c.6202G>T, p.Glu2068Ter (NM_000109.4); c.6214G>T, p.Glu2072Ter (NM_004009.3); c.5857G>T, p.Glu1953Ter (NM_004010.3); c.2203G>T, p.Glu735Ter (NM_004011.4); c.2194G>T, p.Glu732Ter (NM_004012.4); short protein forms E2076*, E2072*, E735*, E732*, E1953*, E2068*.
Identifiers: ClinVar variation 2825797 (VCV002825797.3), dbSNP rs398124007, ClinGen allele CA267101.

ClinVar aggregate classification (germline): Pathogenic (1 of 4 stars; one submission).

Conditions:
Duchenne muscular dystrophy (DMD). Also called: MUSCULAR DYSTROPHY, PSEUDOHYPERTROPHIC PROGRESSIVE, DUCHENNE TYPE; Duchenne Muscular Dystrophy (DMD). Identifiers: Orphanet 98896, MedGen C0013264, MONDO:0010679, OMIM 310200.

Submission:

Labcorp Genetics (formerly Invitae), Labcorp
Classification: Pathogenic for Duchenne muscular dystrophy. Last evaluated: 2023-01-01. Review status: criteria provided, single submitter. Criteria: Invitae Variant Classification Sherloc (09022015). Collection method: clinical testing. Allele origin: germline.
Comment: For these reasons, this variant has been classified as Pathogenic. Algorithms developed to predict the effect of sequence changes on RNA splicing suggest that this variant may create or strengthen a splice site. This variant has not been reported in the literature in individuals affected with DMD-related conditions. This variant is not present in population databases (gnomAD no frequency). This sequence change creates a premature translational stop signal (p.Glu2076*) in the DMD gene. It is expected to result in an absent or disrupted protein product. Loss-of-function variants in DMD are known to be pathogenic (PMID: 16770791, 25007885).

Literature cited by the submitters: PubMed 16770791; PubMed 25007885.